The following is an entry in ClinVar:

NM_003737.4(DCHS1):c.6820C>T (p.Arg2274Cys)

Gene: DCHS1 (dachsous cadherin-related 1; minus strand). Cytogenetic location: 11p15.4.
Variant type: single nucleotide variant.
Coding change: c.6820C>T on transcript NM_003737.4 (MANE Select); coding-DNA position 6820, C replaced by T.
Protein change: p.Arg2274Cys; replaces arginine 2274 with cysteine.
Molecular consequence: missense variant.
Genome position (GRCh38, 1-based): chr11:6,625,639, G>A on the plus strand (C>T on the coding strand, the complement: DCHS1 is on the minus strand). VCF-style: chr11-6625639-G-A. GRCh37 (hg19) VCF-style: chr11-6646870-G-A.
Other names: c.6820C>T (NM_003737.2); short protein forms R2274C.
Identifiers: ClinVar variation 2988876 (VCV002988876.4), dbSNP rs747850327, ClinGen allele CA5859765.
Genomic context (GRCh38, chr11:6,625,639, plus strand): 5'-CACTTTACCCAGCCTCACCTTCTGACACTCGGAGCTCCCAGGGTTGGGGGATGGTGGGGC[G>A]ATTGTCATTGGTGTCGATGACCATCACCGTCAAGGTAGCTGAGCCCACCAGGGCTGGGCT-3'
Protein context (NP_003728.1, residues 2264-2284): TVMVIDTNDN[Arg2274Cys]PTIPQPWELR

ClinVar aggregate classification (germline): Uncertain significance. Review status: criteria provided, multiple submitters, no conflicts (2 of 4 stars). 2 submissions from 2 submitters: Uncertain significance (2). Last evaluated 2024-10-16.

Conditions:
Inborn genetic diseases. Identifiers: MedGen C0950123, MeSH D030342.

Allele frequency attached by ClinVar (database versions not stated): TOPMed 0.00002; gnomAD 0.00003.
gnomAD v4.1: 13 of 1,613,448 alleles (0.00081%); highest among the groups gnomAD compares: African/African-American, 0.0093%; no homozygotes.

Submissions (2):

Labcorp Genetics (formerly Invitae), Labcorp
Classification: Uncertain significance. Last evaluated: 2024-10-16. Review status: criteria provided, single submitter. Criteria: Invitae Variant Classification Sherloc (09022015). Collection method: clinical testing. Allele origin: germline.
Comment: This sequence change replaces arginine, which is basic and polar, with cysteine, which is neutral and slightly polar, at codon 2274 of the DCHS1 protein (p.Arg2274Cys). This variant is present in population databases (rs747850327, gnomAD 0.01%). This variant has not been reported in the literature in individuals affected with DCHS1-related conditions. Invitae Evidence Modeling of protein sequence and biophysical properties (such as structural, functional, and spatial information, amino acid conservation, physicochemical variation, residue mobility, and thermodynamic stability) indicates that this missense variant is expected to disrupt DCHS1 protein function with a positive predictive value of 80%. In summary, the available evidence is currently insufficient to determine the role of this variant in disease. Therefore, it has been classified as a Variant of Uncertain Significance.

Ambry Genetics
Classification: Uncertain significance for Inborn genetic diseases. Last evaluated: 2024-10-07. Review status: criteria provided, single submitter. Criteria: Ambry Variant Classification Scheme 2023. Collection method: clinical testing. Allele origin: germline.